The following is an entry in ClinVar:

NM_000059.4(BRCA2):c.1429del (p.His477fs)

Gene: BRCA2 (BRCA2 DNA repair associated; plus strand). Cytogenetic location: 13q13.1.
Variant type: Deletion.
Coding change: c.1429del on transcript NM_000059.4 (MANE Select); coding-DNA position 1429, one base deleted (C; older notation c.1429delC).
Protein change: p.His477fs; shifts the reading frame from histidine 477.
Molecular consequence: frameshift variant.
Genome position (GRCh38, 1-based): chr13:32,332,907, C deleted. VCF-style (leftmost placement, unchanged base first): chr13-32332906-TC-T. GRCh37 (hg19) VCF-style: chr13-32907043-TC-T.
Other names: c.1429delC (NM_000059.3); short protein forms H477fs.
Identifiers: ClinVar variation 440423 (VCV000440423.4), dbSNP rs1555281909, ClinGen allele CA645509338.

ClinVar aggregate classification (germline): Pathogenic. Review status: reviewed by expert panel (3 of 4 stars). 2 submissions from 2 submitters: Pathogenic (1). 1 of the submissions does not count toward it. Last evaluated 2017-12-15.

Conditions:
Breast-ovarian cancer, familial, susceptibility to, 2 (BROVCA2). Also called: BRCA2 Hereditary Breast and Ovarian Cancer. Identifiers: Orphanet 145, MedGen C2675520, MONDO:0012933, OMIM 612555. Disease mechanism: loss of function.

Submissions (2):

Evidence-based Network for the Interpretation of Germline Mutant Alleles (ENIGMA)
Classification: Pathogenic for Breast-ovarian cancer, familial, susceptibility to, 2. Last evaluated: 2017-12-15. Review status: reviewed by expert panel. Criteria: ENIGMA BRCA1/2 Classification Criteria (2017-06-29). Collection method: curation. Allele origin: germline. Study: ENIGMA.
Comment: Variant allele predicted to encode a truncated non-functional protein.

Department of Medical Genetics, Oslo University Hospital
Classification: Pathogenic for Breast-ovarian cancer, familial, susceptibility to, 2. Last evaluated: 2015-07-01. Review status: criteria provided, single submitter. Criteria: ACMG Guidelines, 2015. Collection method: clinical testing. Allele origin: germline. Affected: yes. Observed: 10 variant alleles. Not counted in ClinVar's aggregate classification.